The following is an entry in ClinVar:

NM_006014.5(LAGE3):c.122A>C (p.His41Pro)

Genes: LAGE3 (L antigen family member 3; minus strand), LOC130068876 (ATAC-STARR-seq lymphoblastoid silent region 21109; plus strand). Cytogenetic location: Xq28.
Variant type: single nucleotide variant.
Coding change: c.122A>C on transcript NM_006014.5 (MANE Select); coding-DNA position 122, A replaced by C.
Protein change: p.His41Pro; replaces histidine 41 with proline.
Molecular consequence: missense variant.
Genome position (GRCh38, 1-based): chrX:154,478,794, T>G on the plus strand (A>C on the coding strand, the complement: LAGE3 is on the minus strand). VCF-style: chrX-154478794-T-G. GRCh37 (hg19) VCF-style: chrX-153707133-T-G.
Other names: c.122A>C (NM_006014.3); short protein forms H41P.
Identifiers: ClinVar variation 2149886 (VCV002149886.5), dbSNP rs374765412, ClinGen allele CA10565277.

ClinVar aggregate classification (germline): Uncertain significance. Review status: criteria provided, multiple submitters, no conflicts (2 of 4 stars). 2 submissions from 2 submitters: Uncertain significance (2). Last evaluated 2025-08-19.

Allele frequency attached by ClinVar (database versions not stated): gnomAD exomes 0.00001; ExAC 0.00013; ESP Exome Variant Server 0.00020.

Submissions (2):

Labcorp Genetics (formerly Invitae), Labcorp
Classification: Uncertain significance. Last evaluated: 2025-08-19. Review status: criteria provided, single submitter. Criteria: Invitae Variant Classification Sherloc (09022015). Collection method: clinical testing. Allele origin: germline.
Comment: This sequence change replaces histidine, which is basic and polar, with proline, which is neutral and non-polar, at codon 41 of the LAGE3 protein (p.His41Pro). This variant is present in population databases (rs374765412, gnomAD 0.04%). This variant has not been reported in the literature in individuals affected with LAGE3-related conditions. ClinVar contains an entry for this variant (Variation ID: 2149886). An algorithm developed to predict the effect of missense changes on protein structure and function (PolyPhen-2) suggests that this variant is likely to be tolerated. In summary, the available evidence is currently insufficient to determine the role of this variant in disease. Therefore, it has been classified as a Variant of Uncertain Significance.

Ambry Genetics
Classification: Uncertain significance. Last evaluated: 2024-10-21. Review status: criteria provided, single submitter. Criteria: Ambry Variant Classification Scheme 2023. Collection method: clinical testing. Allele origin: germline.